The following is an entry in ClinVar:

ClinVar aggregate classification (germline): Uncertain significance (1 of 4 stars; one submission).

Conditions:
Inborn genetic diseases. Identifiers: MedGen C0950123, MeSH D030342.

Submission:

Ambry Genetics
Classification: Uncertain significance for Inborn genetic diseases. Last evaluated: 2021-08-07. Review status: criteria provided, single submitter. Criteria: Ambry Variant Classification Scheme 2023. Collection method: clinical testing. Allele origin: germline.
Comment: The p.R2459P variant (also known as c.7376G>C), located in coding exon 44 of the ATR gene, results from a G to C substitution at nucleotide position 7376. The arginine at codon 2459 is replaced by proline, an amino acid with dissimilar properties. This amino acid position is conserved. In addition, this alteration is predicted to be deleterious by in silico analysis. Since supporting evidence is limited at this time, the clinical significance of this alteration remains unclear.

NM_001184.4(ATR):c.7376G>C (p.Arg2459Pro)

Gene: ATR (ATR checkpoint kinase; minus strand). Cytogenetic location: 3q23.
Variant type: single nucleotide variant.
Coding change: c.7376G>C on transcript NM_001184.4 (MANE Select); coding-DNA position 7376, G replaced by C.
Protein change: p.Arg2459Pro; replaces arginine 2459 with proline.
Molecular consequence: missense variant.
Genome position (GRCh38, 1-based): chr3:142,459,085, C>G on the plus strand (G>C on the coding strand, the complement: ATR is on the minus strand). VCF-style: chr3-142459085-C-G. GRCh37 (hg19) VCF-style: chr3-142177927-C-G.
Other names: c.7184G>C, p.Arg2395Pro (NM_001354579.2); short protein forms R2459P, R2395P.
Identifiers: ClinVar variation 1758587 (VCV001758587.2), dbSNP rs754253403, ClinGen allele CA354796283.